The following is an entry in ClinVar:

NM_206933.4(USH2A):c.3316+6T>C

Genes: USH2A (usherin; minus strand), USH2A-AS1 (USH2A antisense RNA 1; plus strand). Cytogenetic location: 1q41.
Variant type: single nucleotide variant.
Coding change: c.3316+6T>C on transcript NM_206933.4 (MANE Select); 6 bases into the intron after coding-DNA position 3316, T replaced by C.
Molecular consequence: intron variant.
Genome position (GRCh38, 1-based): chr1:216,207,267, A>G on the plus strand (T>C on the coding strand, the complement: USH2A is on the minus strand). VCF-style: chr1-216207267-A-G. GRCh37 (hg19) VCF-style: chr1-216380609-A-G.
Other names: c.3316+6T>C (NM_007123.6).
Identifiers: ClinVar variation 283190 (VCV000283190.13), dbSNP rs373631038, ClinGen allele CA1396034.

ClinVar aggregate classification (germline): Uncertain significance. Review status: criteria provided, multiple submitters, no conflicts (2 of 4 stars). 7 submissions from 6 submitters: Uncertain significance (4). 3 of the submissions do not count toward it. Last evaluated 2023-04-11.

Conditions:
Retinal dystrophy. Also called: Inherited retinal dystrophy. Identifiers: Orphanet 71862, MedGen C0854723, MeSH D058499, MONDO:0019118, HP:0000556.
Retinitis pigmentosa 39 (RP39). Identifiers: Orphanet 791, MedGen C3151138, MONDO:0013436, OMIM 613809.
Usher syndrome type 2A. Also called: USHER SYNDROME, TYPE IIA; RETINAL DISEASE IN USHER SYNDROME TYPE IIA, MODIFIER OF. Identifiers: Orphanet 231178, Orphanet 886, MedGen C1848634, MONDO:0010169, OMIM 276901.

Allele frequency attached by ClinVar (database versions not stated): gnomAD exomes below 0.00001; ExAC 0.00001; ESP Exome Variant Server 0.00008.
gnomAD v4.1: 2 of 1,613,800 alleles (0.00012%); highest among the groups gnomAD compares: Non-Finnish European, 0.00017%; no homozygotes.

Submissions (7):

Genome-Nilou Lab
Classification: Uncertain significance for Retinitis pigmentosa 39. Last evaluated: 2023-04-11. Review status: criteria provided, single submitter. Criteria: ACMG Guidelines, 2015. Collection method: clinical testing. Allele origin: germline. Affected: no.

Genome-Nilou Lab
Classification: Uncertain significance for Usher syndrome type 2A. Last evaluated: 2023-04-11. Review status: criteria provided, single submitter. Criteria: ACMG Guidelines, 2015. Collection method: clinical testing. Allele origin: germline. Affected: no.

Labcorp Genetics (formerly Invitae), Labcorp
Classification: Uncertain significance. Last evaluated: 2022-09-12. Review status: criteria provided, single submitter. Criteria: Invitae Variant Classification Sherloc (09022015). Collection method: clinical testing. Allele origin: germline.
Comment: This sequence change falls in intron 16 of the USH2A gene. It does not directly change the encoded amino acid sequence of the USH2A protein. It affects a nucleotide within the consensus splice site. This variant is present in population databases (rs373631038, gnomAD 0.0009%). This variant has been observed in individual(s) with clinical features of USH2A-related conditions (Invitae). In at least one individual the data is consistent with being in trans (on the opposite chromosome) from a pathogenic variant. ClinVar contains an entry for this variant (Variation ID: 283190). Variants that disrupt the consensus splice site are a relatively common cause of aberrant splicing (PMID: 17576681, 9536098). Algorithms developed to predict the effect of sequence changes on RNA splicing suggest that this variant may disrupt the consensus splice site. In summary, the available evidence is currently insufficient to determine the role of this variant in disease. Therefore, it has been classified as a Variant of Uncertain Significance.

Eurofins Ntd Llc (ga)
Classification: Uncertain significance. Last evaluated: 2015-09-22. Review status: criteria provided, single submitter. Criteria: EGL Classification Definitions 2015. Collection method: clinical testing. Allele origin: germline. Observed: 1 variant allele, 1 heterozygote.

Institute of Human Genetics, Univ. Regensburg, Univ. Regensburg
Classification: Uncertain significance for Retinal dystrophy. Last evaluated: 2019-01-01. Review status: no assertion criteria provided. Criteria: ACMG Guidelines, 2015. Collection method: clinical testing. Allele origin: germline. Affected: yes. Not counted in ClinVar's aggregate classification.

Clinical Genetics, Academic Medical Center
Classification: Uncertain significance. Review status: no assertion criteria provided. Collection method: clinical testing. Allele origin: germline. Affected: yes. Study: VKGL Data-share Consensus. Not counted in ClinVar's aggregate classification.

Joint Genome Diagnostic Labs from Nijmegen and Maastricht, Radboudumc and MUMC+
Classification: Uncertain significance. Review status: no assertion criteria provided. Collection method: clinical testing. Allele origin: germline. Affected: yes. Study: VKGL Data-share Consensus. Not counted in ClinVar's aggregate classification.

Literature cited by the submitters: PubMed 17576681 (cited by Labcorp Genetics (formerly Invitae), Labcorp); PubMed 9536098 (cited by Labcorp Genetics (formerly Invitae), Labcorp).